The following is an entry in ClinVar:

NM_001035.3(RYR2):c.3803T>C (p.Ile1268Thr)

Genes: RYR2 (ryanodine receptor 2; plus strand), LOC126806067 (BRD4-independent group 4 enhancer GRCh37_chr1:237753258-237754457; plus strand). Cytogenetic location: 1q43.
Variant type: single nucleotide variant.
Coding change: c.3803T>C on transcript NM_001035.3 (MANE Select); coding-DNA position 3803, T replaced by C.
Protein change: p.Ile1268Thr; replaces isoleucine 1268 with threonine.
Molecular consequence: missense variant.
Genome position (GRCh38, 1-based): chr1:237,589,997, T>C. VCF-style: chr1-237589997-T-C. GRCh37 (hg19) VCF-style: chr1-237753297-T-C.
Other names: short protein forms I1268T.
Identifiers: ClinVar variation 3385716 (VCV003385716.1).
Genomic context (GRCh38, chr1:237,589,997, plus strand): 5'-CCATGTGGCTGAGCAAGAGGCTTCCTCAGTTTCTTCAAGTTCCATCAAACCATGAACATA[T>C]AGAGGTTTGCTTTTTCTTTAAAAATCAGGCCATTTCTAAAAAGCAGGAAAAGAATATCTT-3'
Protein context (NP_001026.2, residues 1258-1278): FLQVPSNHEH[Ile1268Thr]EVTRIDGTID

ClinVar aggregate classification (germline): Uncertain significance (1 of 4 stars; one submission).

Conditions:
Catecholaminergic polymorphic ventricular tachycardia (CVPT). Also called: Catecholamine-induced polymorphic ventricular tachycardia. Identifiers: Orphanet 3286, MedGen C5574922, MONDO:0017990.

gnomAD v4.1: 4 of 1,610,976 alleles (0.00025%); highest among the groups gnomAD compares: South Asian, 0.0022%; no homozygotes.

Submission:

All of Us Research Program, National Institutes of Health
Classification: Uncertain significance for Catecholaminergic polymorphic ventricular tachycardia. Last evaluated: 2024-02-22. Review status: criteria provided, single submitter. Criteria: ACMG Guidelines, 2015. Collection method: clinical testing. Allele origin: germline. Inheritance: Autosomal dominant inheritance. Observed: 1 variant allele, 1 heterozygote.
Comment: This missense variant replaces isoleucine with threonine at codon 1268 of the RYR2 protein. Computational prediction is inconclusive regarding the impact of this variant on protein structure and function (internally defined REVEL score threshold 0.5 < inconclusive < 0.7, PMID: 27666373). To our knowledge, functional studies have not been reported for this variant. This variant has been reported to be a de novo occurrence in an individual affected with Brugada syndrome, which was also observed in the affected daughtor (PMID: 2623051). This variant has not been identified in the general population by the Genome Aggregation Database (gnomAD). The available evidence is insufficient to determine the role of this variant in disease conclusively. Therefore, this variant is classified as a Variant of Uncertain Significance.

This study involves interpretation of variants in research participants for the purpose of population health screening. Participant phenotype was not available at the time of variant classification. Additional details can be found in publication PMID: 35346344, PMCID: PMC8962531

Literature cited by the submitters: PubMed 2623051.